The following is an entry in ClinVar:

ClinVar aggregate classification (germline): Uncertain significance (0 of 4 stars; one submission).

Conditions:
MORC2-related disorder. Also called: MORC2-related condition.

Submission:

PreventionGenetics, part of Exact Sciences
Classification: Uncertain significance for MORC2-related condition. Last evaluated: 2024-02-07. Review status: no assertion criteria provided. Collection method: clinical testing. Allele origin: germline.
Comment: The MORC2 c.1458delA variant is predicted to result in a frameshift and premature protein termination (p.Lys486Asnfs*18). To our knowledge, this variant has not been reported in the literature or in a large population database, indicating this variant is rare. At this time, the clinical significance of this variant is uncertain due to the absence of conclusive functional and genetic evidence.

NM_001303256.3(MORC2):c.1458del (p.Lys486fs)

Gene: MORC2 (MORC family CW-type zinc finger 2; minus strand). Cytogenetic location: 22q12.2.
Variant type: Deletion.
Coding change: c.1458del on transcript NM_001303256.3 (MANE Select); coding-DNA position 1458, one base deleted (A; older notation c.1458delA).
Protein change: p.Lys486fs; shifts the reading frame from lysine 486.
Molecular consequence: frameshift variant.
Genome position (GRCh38, 1-based): chr22:30,937,623, T deleted on the plus strand (A on the coding strand, the reverse complement: MORC2 is on the minus strand); the first of 3 consecutive T bases (chr22:30,937,623-30,937,625); deleting any one gives the same sequence. VCF-style (leftmost placement, unchanged base first): chr22-30937622-GT-G. GRCh37 (hg19) VCF-style: chr22-31333609-GT-G.
Other names: c.1458del, p.Lys486fs (NM_001303257.2); c.1272del, p.Lys424fs (NM_014941.3); short protein forms K424fs, K486fs.
Identifiers: ClinVar variation 3029207 (VCV003029207.2), dbSNP rs2517588509, ClinGen allele CA2740094822.